The following is an entry in ClinVar:

NM_030665.4(RAI1):c.3121G>T (p.Ala1041Ser)

Gene: RAI1 (retinoic acid induced 1; plus strand). Cytogenetic location: 17p11.2.
Variant type: single nucleotide variant.
Coding change: c.3121G>T on transcript NM_030665.4 (MANE Select); coding-DNA position 3121, G replaced by T.
Protein change: p.Ala1041Ser; replaces alanine 1041 with serine.
Molecular consequence: missense variant.
Genome position (GRCh38, 1-based): chr17:17,796,069, G>T. VCF-style: chr17-17796069-G-T. GRCh37 (hg19) VCF-style: chr17-17699383-G-T.
Other names: c.3121G>T (NM_030665.3); short protein forms A1041S.
Identifiers: ClinVar variation 1659290 (VCV001659290.9), dbSNP rs943141889, ClinGen allele CA288370231.

ClinVar aggregate classification (germline): Conflicting classifications of pathogenicity. Review status: criteria provided, conflicting classifications (1 of 4 stars). 2 submissions from 2 submitters: Uncertain significance (1); Benign (1). Last evaluated 2025-04-23.

Conditions:
RAI1-related disorder. Also called: RAI1-related condition.

Allele frequency attached by ClinVar (database versions not stated): TOPMed below 0.00001; gnomAD 0.00001; gnomAD exomes 0.00002.
gnomAD v4.1: 8 of 1,580,912 alleles (0.00051%); highest among the groups gnomAD compares: African/African-American, 0.0013%; no homozygotes.

Submissions (2):

PreventionGenetics, part of Exact Sciences
Classification: Uncertain significance for RAI1-related condition. Last evaluated: 2025-04-23. Review status: criteria provided, single submitter. Criteria: ACMG Guidelines, 2015. Collection method: clinical testing. Allele origin: germline.
Comment: The RAI1 c.3121G>T variant is predicted to result in the amino acid substitution p.Ala1041Ser. To our knowledge, this variant has not been reported in the literature. This variant is reported in 0.0054% of alleles in individuals of African descent in gnomAD. At this time, the clinical significance of this variant is uncertain due to the absence of conclusive functional and genetic evidence.

Labcorp Genetics (formerly Invitae), Labcorp
Classification: Benign. Last evaluated: 2024-10-22. Review status: criteria provided, single submitter. Criteria: Invitae Variant Classification Sherloc (09022015). Collection method: clinical testing. Allele origin: germline.